The following is an entry in ClinVar:

NM_017433.5(MYO3A):c.3017A>C (p.Tyr1006Ser)

Gene: MYO3A (myosin IIIA; plus strand). Cytogenetic location: 10p12.1.
Variant type: single nucleotide variant.
Coding change: c.3017A>C on transcript NM_017433.5 (MANE Select); coding-DNA position 3017, A replaced by C.
Protein change: p.Tyr1006Ser; replaces tyrosine 1006 with serine.
Molecular consequence: missense variant.
Genome position (GRCh38, 1-based): chr10:26,166,084, A>C. VCF-style: chr10-26166084-A-C. GRCh37 (hg19) VCF-style: chr10-26455013-A-C.
Other names: short protein forms Y1006S.
Identifiers: ClinVar variation 4701095 (VCV004701095.1).

ClinVar aggregate classification (germline): Uncertain significance (1 of 4 stars; one submission).

gnomAD v4.1: 4 of 1,614,030 alleles (0.00025%); highest among the groups gnomAD compares: Non-Finnish European, 0.00025%; no homozygotes.

Submission:

Labcorp Genetics (formerly Invitae), Labcorp
Classification: Uncertain significance. Last evaluated: 2025-10-07. Review status: criteria provided, single submitter. Criteria: Invitae Variant Classification Sherloc (09022015). Collection method: clinical testing. Allele origin: germline.
Comment: This sequence change replaces tyrosine, which is neutral and polar, with serine, which is neutral and polar, at codon 1006 of the MYO3A protein (p.Tyr1006Ser). This variant is not present in population databases (gnomAD no frequency). This variant has not been reported in the literature in individuals affected with MYO3A-related conditions. Invitae Evidence Modeling of protein sequence and biophysical properties (such as structural, functional, and spatial information, amino acid conservation, physicochemical variation, residue mobility, and thermodynamic stability) indicates that this missense variant is not expected to disrupt MYO3A protein function with a negative predictive value of 80%. In summary, the available evidence is currently insufficient to determine the role of this variant in disease. Therefore, it has been classified as a Variant of Uncertain Significance.